The following is an entry in ClinVar:

NM_152564.5(VPS13B):c.1916G>A (p.Arg639Gln)

Gene: VPS13B (vacuolar protein sorting 13 homolog B; plus strand). Cytogenetic location: 8q22.2.
Variant type: single nucleotide variant.
Coding change: c.1916G>A on transcript NM_152564.5 (MANE Select); coding-DNA position 1916, G replaced by A.
Protein change: p.Arg639Gln; replaces arginine 639 with glutamine.
Molecular consequence: missense variant.
Genome position (GRCh38, 1-based): chr8:99,147,913, G>A. VCF-style: chr8-99147913-G-A. GRCh37 (hg19) VCF-style: chr8-100160141-G-A.
Other names: c.1916G>A (NM_152564.4); c.1916G>A, p.Arg639Gln (NM_015243.3, NM_017890.5); short protein forms R639Q.
Identifiers: ClinVar variation 908346 (VCV000908346.10), dbSNP rs772958839, ClinGen allele CA4822778.

ClinVar aggregate classification (germline): Uncertain significance. Review status: criteria provided, multiple submitters, no conflicts (2 of 4 stars). 3 submissions from 3 submitters: Uncertain significance (2). 1 of the submissions does not count toward it. Last evaluated 2022-02-14.

Conditions:
VPS13B-related disorder. Also called: VPS13B-related condition.
Cohen syndrome (COH1). Also called: Cutis verticis gyrata, retinitis pigmentosa, and sensorineural deafness; PEPPER SYNDROME. Identifiers: Orphanet 193, MedGen C0265223, MONDO:0008999, OMIM 216550.

Allele frequency attached by ClinVar (database versions not stated): gnomAD exomes below 0.00001; ExAC 0.00002.
gnomAD v4.1: 12 of 1,613,130 alleles (0.00074%); highest among the groups gnomAD compares: East Asian, 0.0067%; no homozygotes.

Submissions (3):

Labcorp Genetics (formerly Invitae), Labcorp
Classification: Uncertain significance for Cohen syndrome. Last evaluated: 2022-02-14. Review status: criteria provided, single submitter. Criteria: Invitae Variant Classification Sherloc (09022015). Collection method: clinical testing. Allele origin: germline.
Comment: In summary, the available evidence is currently insufficient to determine the role of this variant in disease. Therefore, it has been classified as a Variant of Uncertain Significance. Algorithms developed to predict the effect of missense changes on protein structure and function are either unavailable or do not agree on the potential impact of this missense change (SIFT: "Not Available"; PolyPhen-2: "Possibly Damaging"; Align-GVGD: "Not Available"). ClinVar contains an entry for this variant (Variation ID: 908346). This variant has not been reported in the literature in individuals affected with VPS13B-related conditions. The frequency data for this variant in the population databases is considered unreliable, as metrics indicate poor data quality at this position in the gnomAD database. This sequence change replaces arginine, which is basic and polar, with glutamine, which is neutral and polar, at codon 639 of the VPS13B protein (p.Arg639Gln).

Illumina Laboratory Services, Illumina
Classification: Uncertain significance for Cohen syndrome. Last evaluated: 2018-01-13. Review status: criteria provided, single submitter. Criteria: ICSL Variant Classification Criteria 13 December 2019. Collection method: clinical testing. Allele origin: germline.

PreventionGenetics, part of Exact Sciences
Classification: Uncertain significance for VPS13B-related condition. Last evaluated: 2024-03-06. Review status: no assertion criteria provided. Collection method: clinical testing. Allele origin: germline. Not counted in ClinVar's aggregate classification.
Comment: The VPS13B c.1916G>A variant is predicted to result in the amino acid substitution p.Arg639Gln. To our knowledge, this variant has not been reported in the literature. This variant is reported in 0.0029% of alleles in individuals of Latino descent in gnomAD. At this time, the clinical significance of this variant is uncertain due to the absence of conclusive functional and genetic evidence.